The following is an entry in ClinVar:

ClinVar aggregate classification (germline): Pathogenic (1 of 4 stars; one submission).

Conditions:
Multiple endocrine neoplasia, type 1 (MEN1). Also called: Endocrine adenomatosis multiple; MEN 1; MEA I; MEN I; WERMER SYNDROME. Identifiers: Orphanet 652, MedGen C0025267, MeSH D018761, MONDO:0007540, OMIM 131100.

Submission:

Labcorp Genetics (formerly Invitae), Labcorp
Classification: Pathogenic for Multiple endocrine neoplasia, type 1. Last evaluated: 2025-04-29. Review status: criteria provided, single submitter. Criteria: Invitae Variant Classification Sherloc (09022015). Collection method: clinical testing. Allele origin: germline.
Comment: This sequence change inserts a large fragment of DNA, likely a transposable element, in exon 2 of the MEN1 gene (c.143_144ins?), causing a frameshift at codon 49 (p.Ala49fs). The exact size and sequence of the insertion cannot be determined by the current assay. However, the insertion is expected to result in an absent or disrupted protein product. This variant is not present in population databases (gnomAD no frequency). This variant has not been reported in the literature in individuals affected with MEN1-related conditions. Retrotransposon insertions including LINE1 (L1), Alu, and SVA (SINE-VNTR-Alu) have been reported to be disease-causing through disruption of either a coding region or splice site (PMID: 19763152, 20307669, 22406018) and loss-of-function variants in MEN1 are known to be pathogenic (PMID: 12112656, 17853334). For these reasons, this variant has been classified as Pathogenic.

Literature cited by the submitters: PubMed 19763152; PubMed 20307669; PubMed 22406018; PubMed 12112656; PubMed 17853334.

NM_001370259.2(MEN1):c.143_144insTTTTTTTTTTTTTTTTTTTTNNNNNNNNNNCTGACCTCGTGATCCGCCCGCCTCGGCCTCCCAAAGTGCTGGGATTTCAGGCGTGAGCCACCGCGCCCGGCCCCGTGGAGCATTTTCT (p.Leu48_Ala49insPhePhePhePhePhePheXaaXaaXaaXaaTer)

Gene: MEN1 (menin 1; minus strand). Cytogenetic location: 11q13.1.
Variant type: Insertion.
Coding change: c.143_144insTTTTTTTTTTTTTTTTTTTTNNNNNNNNNNCTGACCTCGTGATCCGCCCGCCTCGGCCTCCCAAAGTGCTGGGATTTCAGGCGTGAGCCACCGCGCCCGGCCCCGTGGAGCATTTTCT on transcript NM_001370259.2 (MANE Select); coding-DNA positions 143 to 144, TTTTTTTTTTTTTTTTTTTTNNNNNNNNNNCTGACCTCGTGATCCGCCCGCCTCGGCCTCCCAAAGTGCTGGGATTTCAGGCGTGAGCCACCGCGCCCGGCCCCGTGGAGCATTTTCT inserted.
Protein change: p.Leu48_Ala49insPhePhePhePhePhePheXaaXaaXaaXaaTer.
Molecular consequence: nonsense, inframe insertion. On other transcripts: non-coding transcript variant (4).
Genome position: GRCh38: chr11:64,809,981-64,809,982. GRCh37 (hg19): chr11:64,577,453-64,577,454.
Other names: c.143_144insTTTTTTTTTTTTTTTTTTTTNNNNNNNNNNCTGACCTCGTGATCCGCCCGCCTCGGCCTCCCAAAGTGCTGGGATTTCAGGCGTGAGCCACCGCGCCCGGCCCCGTGGAGCATTTTCT, p.Leu48_Ala49insPhePhePhePhePhePheXaaXaaXaaXaaTer (NM_000244.4, NM_001370251.2, NM_001370260.2 and 20 more transcripts).
Identifiers: ClinVar variation 4718563 (VCV004718563.1).